The following is an entry in ClinVar:

ClinVar aggregate classification (germline): Uncertain significance (1 of 4 stars; one submission).

Conditions:
Autosomal recessive limb-girdle muscular dystrophy type 2A (LGMDR1). Also called: LEYDEN-MOEBIUS MUSCULAR DYSTROPHY; MUSCULAR DYSTROPHY, PELVOFEMORAL; Limb-girdle muscular dystrophy, type 2A; Calpainopathy; Muscular dystrophy, limb-girdle, type 2A, Amish. Identifiers: Orphanet 267, MedGen C1869123, MONDO:0009675, OMIM 253600. Disease mechanism: loss of function.

Submission:

Labcorp Genetics (formerly Invitae), Labcorp
Classification: Uncertain significance for Autosomal recessive limb-girdle muscular dystrophy type 2A. Last evaluated: 2024-12-25. Review status: criteria provided, single submitter. Criteria: Invitae Variant Classification Sherloc (09022015). Collection method: clinical testing. Allele origin: germline.
Comment: This sequence change replaces methionine, which is neutral and non-polar, with arginine, which is basic and polar, at codon 294 of the CAPN3 protein (p.Met294Arg). This variant is not present in population databases (gnomAD no frequency). This variant has not been reported in the literature in individuals affected with CAPN3-related conditions. Invitae Evidence Modeling of protein sequence and biophysical properties (such as structural, functional, and spatial information, amino acid conservation, physicochemical variation, residue mobility, and thermodynamic stability) has been performed for this missense variant. However, the output from this modeling did not meet the statistical confidence thresholds required to predict the impact of this variant on CAPN3 protein function. Algorithms developed to predict the effect of sequence changes on RNA splicing suggest that this variant may disrupt the consensus splice site. In summary, the available evidence is currently insufficient to determine the role of this variant in disease. Therefore, it has been classified as a Variant of Uncertain Significance.

NM_000070.3(CAPN3):c.881T>G (p.Met294Arg)

Gene: CAPN3 (calpain 3; plus strand). Cytogenetic location: 15q15.1.
Variant type: single nucleotide variant.
Coding change: c.881T>G on transcript NM_000070.3 (MANE Select); coding-DNA position 881, T replaced by G.
Protein change: p.Met294Arg; replaces methionine 294 with arginine.
Molecular consequence: missense variant. On other transcripts: intron variant (1).
Genome position (GRCh38, 1-based): chr15:42,390,032, T>G. VCF-style: chr15-42390032-T-G. GRCh37 (hg19) VCF-style: chr15-42682230-T-G.
Other names: c.881T>G, p.Met294Arg (NM_024344.2); c.801+936T>G (NM_173087.2); short protein forms M294R.
Identifiers: ClinVar variation 3636593 (VCV003636593.2).
Genomic context (GRCh38, chr15:42,390,032, plus strand): 5'-ATGGAACCTCTCCTTCTGGTCTGAACATGGGGGAGTTGATTGCACGGATGGTAAGGAATA[T>G]GGATAACTCACTGCTCCAGGACTCAGACCTCGACCCCAGAGGCTCAGATGAAAGACCGAC-3'
Protein context (NP_000061.1, residues 284-304): GELIARMVRN[Met294Arg]DNSLLQDSDL